The following is an entry in ClinVar:

ClinVar aggregate classification (germline): Uncertain significance (1 of 4 stars; one submission).

Allele frequency attached by ClinVar (database versions not stated): TOPMed 0.00001.

Submission:

Ambry Genetics
Classification: Uncertain significance. Last evaluated: 2022-12-24. Review status: criteria provided, single submitter. Criteria: Ambry Variant Classification Scheme 2023. Collection method: clinical testing. Allele origin: germline.
Comment: The p.D303E variant (also known as c.909C>A), located in coding exon 3 of the ALPK2 gene, results from a C to A substitution at nucleotide position 909. The aspartic acid at codon 303 is replaced by glutamic acid, an amino acid with highly similar properties. This amino acid position is conserved. In addition, this alteration is predicted to be tolerated by in silico analysis. Since supporting evidence is limited at this time, the clinical significance of this alteration remains unclear.

NM_052947.4(ALPK2):c.909C>A (p.Asp303Glu)

Genes: ALPK2 (alpha kinase 2; minus strand), LOC114803473 (ALPK2 eExon liver enhancer; plus strand). Cytogenetic location: 18q21.31.
Variant type: single nucleotide variant.
Coding change: c.909C>A on transcript NM_052947.4 (MANE Select); coding-DNA position 909, C replaced by A.
Protein change: p.Asp303Glu; replaces aspartic acid 303 with glutamic acid.
Molecular consequence: missense variant.
Genome position (GRCh38, 1-based): chr18:58,579,867, G>T on the plus strand (C>A on the coding strand, the complement: ALPK2 is on the minus strand). VCF-style: chr18-58579867-G-T. GRCh37 (hg19) VCF-style: chr18-56247099-G-T.
Other names: short protein forms D303E.
Identifiers: ClinVar variation 2449241 (VCV002449241.2), dbSNP rs2051947269, ClinGen allele CA402566810.